The following is an entry in ClinVar:

NM_000843.4(GRM6):c.2020C>G (p.Arg674Gly)

Genes: GRM6 (glutamate metabotropic receptor 6; minus strand), ZNF454 (zinc finger protein 454; plus strand). Cytogenetic location: 5q35.3.
Variant type: single nucleotide variant.
Coding change: c.2020C>G on transcript NM_000843.4 (MANE Select); coding-DNA position 2020, C replaced by G.
Protein change: p.Arg674Gly; replaces arginine 674 with glycine.
Molecular consequence: missense variant.
Genome position (GRCh38, 1-based): chr5:178,986,234, G>C on the plus strand (C>G on the coding strand, the complement: GRM6 is on the minus strand). VCF-style: chr5-178986234-G-C. GRCh37 (hg19) VCF-style: chr5-178413235-G-C.
Other names: short protein forms R674G.
Identifiers: ClinVar variation 4804403 (VCV004804403.1).

ClinVar aggregate classification (germline): Uncertain significance (1 of 4 stars; one submission).

gnomAD v4.1: 3 of 1,614,190 alleles (0.00019%); highest among the groups gnomAD compares: Non-Finnish European, 0.00025%; no homozygotes.

Submission:

Labcorp Genetics (formerly Invitae), Labcorp
Classification: Uncertain significance. Last evaluated: 2025-05-08. Review status: criteria provided, single submitter. Criteria: Invitae Variant Classification Sherloc (09022015). Collection method: clinical testing. Allele origin: germline.
Comment: This sequence change replaces arginine, which is basic and polar, with glycine, which is neutral and non-polar, at codon 674 of the GRM6 protein (p.Arg674Gly). This variant is not present in population databases (gnomAD no frequency). This variant has not been reported in the literature in individuals affected with GRM6-related conditions. Invitae Evidence Modeling of protein sequence and biophysical properties (such as structural, functional, and spatial information, amino acid conservation, physicochemical variation, residue mobility, and thermodynamic stability) has been performed for this missense variant. However, the output from this modeling did not meet the statistical confidence thresholds required to predict the impact of this variant on GRM6 protein function. In summary, the available evidence is currently insufficient to determine the role of this variant in disease. Therefore, it has been classified as a Variant of Uncertain Significance.